The following is an entry in ClinVar:

ClinVar aggregate classification (germline): Conflicting classifications of pathogenicity. Review status: criteria provided, conflicting classifications (1 of 4 stars). 10 submissions from 10 submitters: Uncertain significance (7); Likely benign (3). Last evaluated 2026-06-12.

Conditions:
TTN-related disorder. Also called: TTN-related condition; TTN-related disease; TTN-related disorders.
Cardiovascular phenotype. Identifiers: MedGen CN230736.
Dilated cardiomyopathy 1G (CMD1G). Identifiers: Orphanet 154, MedGen C1858763, MONDO:0011400, OMIM 604145.
Autosomal recessive limb-girdle muscular dystrophy type 2J (LGMDR10). Also called: Limb-girdle muscular dystrophy, type 2J; MUSCULAR DYSTROPHY, LIMB-GIRDLE, AUTOSOMAL RECESSIVE 10. Identifiers: Orphanet 140922, MedGen C1837342, MONDO:0012127, OMIM 608807.
Hypertrophic cardiomyopathy 9. Also called: Familial hypertrophic cardiomyopathy 9. Identifiers: MedGen C1861065, MONDO:0013412, OMIM 613765.

Allele frequency attached by ClinVar (database versions not stated): gnomAD exomes 0.00002 and 0.00003; ExAC 0.00003; gnomAD 0.00010; ESP Exome Variant Server 0.00015; TOPMed 0.00018.
gnomAD v4.1: 35 of 1,613,896 alleles (0.0022%); highest among the groups gnomAD compares: African/African-American, 0.045%; no homozygotes.

Submissions (10):

PreventionGenetics, part of Exact Sciences
Classification: Uncertain significance for TTN-related condition. Last evaluated: 2026-06-12. Review status: criteria provided, single submitter. Criteria: ACMG Guidelines, 2015. Collection method: clinical testing. Allele origin: germline.
Comment: The TTN c.4150G>T variant is predicted to result in the amino acid substitution p.Ala1384Ser. To our knowledge, this variant has not been reported in the literature. This variant is reported in 0.044% of alleles in individuals of African descent in gnomAD. At this time, the clinical significance of this variant is uncertain due to the absence of conclusive functional and genetic evidence.

Revvity Omics, Revvity
Classification: Uncertain significance. Last evaluated: 2025-04-16. Review status: criteria provided, single submitter. Criteria: ACMG Guidelines, 2015. Collection method: clinical testing. Allele origin: germline.

Women's Health and Genetics/Laboratory Corporation of America, LabCorp
Classification: Uncertain significance. Last evaluated: 2022-04-05. Review status: criteria provided, single submitter. Criteria: LabCorp Variant Classification Summary - May 2015. Collection method: clinical testing. Allele origin: germline.

New York Genome Center
Classification: Uncertain significance for Hypertrophic cardiomyopathy 9; Dilated cardiomyopathy 1G. Last evaluated: 2021-12-21. Review status: criteria provided, single submitter. Criteria: NYGC Assertion Criteria 2020. Collection method: clinical testing. Allele origin: germline. Observed: 1 variant allele.

Blueprint Genetics
Classification: Likely benign. Last evaluated: 2021-09-01. Review status: criteria provided, single submitter. Criteria: ACMG Guidelines, 2015. Collection method: clinical testing. Allele origin: germline.

Athena Diagnostics
Classification: Uncertain significance. Last evaluated: 2021-01-05. Review status: criteria provided, single submitter. Criteria: Athena Diagnostics criteria. Collection method: clinical testing. Allele origin: unknown.

GeneDx
Classification: Likely benign. Last evaluated: 2020-03-12. Review status: criteria provided, single submitter. Criteria: GeneDx Variant Classification Process June 2021. Collection method: clinical testing. Allele origin: germline. Affected: yes.

Ambry Genetics
Classification: Likely benign for Cardiovascular phenotype. Last evaluated: 2019-06-26. Review status: criteria provided, single submitter. Criteria: Ambry Variant Classification Scheme 2023. Collection method: clinical testing. Allele origin: germline.

Labcorp Genetics (formerly Invitae), Labcorp
Classification: Uncertain significance for Dilated cardiomyopathy 1G; Autosomal recessive limb-girdle muscular dystrophy type 2J. Last evaluated: 2017-12-21. Review status: criteria provided, single submitter. Criteria: Invitae Variant Classification Sherloc (09022015). Collection method: clinical testing. Allele origin: germline.

Eurofins Ntd Llc (ga)
Classification: Uncertain significance. Last evaluated: 2017-02-27. Review status: criteria provided, single submitter. Criteria: EGL Classification Definitions 2015. Collection method: clinical testing. Allele origin: germline. Observed: 4 variant alleles, 4 heterozygotes.

NM_001267550.2(TTN):c.4150G>T (p.Ala1384Ser)

Genes: TTN (titin; minus strand), LOC101927055 (uncharacterized LOC101927055; plus strand). Cytogenetic location: 2q31.2.
Variant type: single nucleotide variant.
Coding change: c.4150G>T on transcript NM_001267550.2 (MANE Select); coding-DNA position 4150, G replaced by T.
Protein change: p.Ala1384Ser; replaces alanine 1384 with serine.
Molecular consequence: missense variant.
Genome position (GRCh38, 1-based): chr2:178,778,932, C>A on the plus strand (G>T on the coding strand, the complement: TTN is on the minus strand). VCF-style: chr2-178778932-C-A. GRCh37 (hg19) VCF-style: chr2-179643659-C-A.
Other names: c.4150G>T, p.Ala1384Ser (NM_001256850.1, NM_133378.4, NM_133379.5); c.4012G>T, p.Ala1338Ser (NM_003319.4, NM_133432.3, NM_133437.4); c.4150G>T (NM_001267550.1); short protein forms A1384S, A1338S.
Identifiers: ClinVar variation 497127 (VCV000497127.19), dbSNP rs144609506, ClinGen allele CA2005396.